The following is an entry in ClinVar:

NM_013275.6(ANKRD11):c.6091G>C (p.Glu2031Gln)

Gene: ANKRD11 (ankyrin repeat domain 11; minus strand). Cytogenetic location: 16q24.3.
Variant type: single nucleotide variant.
Coding change: c.6091G>C on transcript NM_013275.6 (MANE Select); coding-DNA position 6091, G replaced by C.
Protein change: p.Glu2031Gln; replaces glutamic acid 2031 with glutamine.
Molecular consequence: missense variant.
Genome position (GRCh38, 1-based): chr16:89,280,451, C>G on the plus strand (G>C on the coding strand, the complement: ANKRD11 is on the minus strand). VCF-style: chr16-89280451-C-G. GRCh37 (hg19) VCF-style: chr16-89346859-C-G.
Other names: c.6091G>C (NM_013275.4); c.6091G>C, p.Glu2031Gln (NM_001256182.2, NM_001256183.2); short protein forms E2031Q.
Identifiers: ClinVar variation 2042713 (VCV002042713.5), dbSNP rs2034108547, ClinGen allele CA397152096.

ClinVar aggregate classification (germline): Uncertain significance. Review status: criteria provided, multiple submitters, no conflicts (2 of 4 stars). 2 submissions from 2 submitters: Uncertain significance (2). Last evaluated 2026-09-10.

Conditions:
Inborn genetic diseases. Identifiers: MedGen C0950123, MeSH D030342.
KBG syndrome (KBGS). Also called: ANKRD11-Related KBG Syndrome. Identifiers: Orphanet 2332, MedGen C0220687, MONDO:0007846, OMIM 148050.

Allele frequency attached by ClinVar (database versions not stated): gnomAD exomes below 0.00001.
gnomAD v4.1: 3 of 1,587,428 alleles (0.00019%); highest among the groups gnomAD compares: African/African-American, 0.0013%; no homozygotes.

Submissions (2):

Ambry Genetics
Classification: Uncertain significance for Inborn genetic diseases. Last evaluated: 2026-09-10. Review status: criteria provided, single submitter. Criteria: Ambry Variant Classification Scheme 2023. Collection method: clinical testing. Allele origin: germline.

Labcorp Genetics (formerly Invitae), Labcorp
Classification: Uncertain significance for KBG syndrome. Last evaluated: 2024-10-28. Review status: criteria provided, single submitter. Criteria: Invitae Variant Classification Sherloc (09022015). Collection method: clinical testing. Allele origin: germline.
Comment: This sequence change replaces glutamic acid, which is acidic and polar, with glutamine, which is neutral and polar, at codon 2031 of the ANKRD11 protein (p.Glu2031Gln). This variant is not present in population databases (gnomAD no frequency). This variant has not been reported in the literature in individuals affected with ANKRD11-related conditions. ClinVar contains an entry for this variant (Variation ID: 2042713). Invitae Evidence Modeling of protein sequence and biophysical properties (such as structural, functional, and spatial information, amino acid conservation, physicochemical variation, residue mobility, and thermodynamic stability) indicates that this missense variant is not expected to disrupt ANKRD11 protein function with a negative predictive value of 95%. In summary, the available evidence is currently insufficient to determine the role of this variant in disease. Therefore, it has been classified as a Variant of Uncertain Significance.